The following is an entry in ClinVar:

ClinVar aggregate classification (germline): Likely benign. Review status: criteria provided, multiple submitters, no conflicts (2 of 4 stars). 2 submissions from 2 submitters: Likely benign (2). Last evaluated 2024-11-22.

Conditions:
Niemann-Pick disease, type C1. Also called: NEUROVISCERAL STORAGE DISEASE WITH VERTICAL SUPRANUCLEAR OPHTHALMOPLEGIA; NIEMANN-PICK DISEASE WITH CHOLESTEROL ESTERIFICATION BLOCK; NIEMANN-PICK DISEASE WITHOUT SPHINGOMYELINASE DEFICIENCY; NIEMANN-PICK DISEASE, CHRONIC NEURONOPATHIC FORM; NIEMANN-PICK DISEASE, VARIANT TYPE C1. Identifiers: Orphanet 646, MedGen C3179455, MONDO:0009757, OMIM 257220.

gnomAD v4.1: 7 of 1,611,728 alleles (0.00043%); highest among the groups gnomAD compares: Non-Finnish European, 0.00051%; no homozygotes.

Submissions (2):

Mayo Clinic Laboratories, Mayo Clinic
Classification: Likely benign. Last evaluated: 2024-11-22. Review status: criteria provided, single submitter. Criteria: ACMG Guidelines, 2015. Collection method: clinical testing. Allele origin: germline. Observed: 1 variant allele.
Comment: BP4, BP7

Labcorp Genetics (formerly Invitae), Labcorp
Classification: Likely benign for Niemann-Pick disease, type C1. Last evaluated: 2024-10-28. Review status: criteria provided, single submitter. Criteria: Invitae Variant Classification Sherloc (09022015). Collection method: clinical testing. Allele origin: germline.

NM_000271.5(NPC1):c.2184A>C (p.Leu728=)

Gene: NPC1 (NPC intracellular cholesterol transporter 1; minus strand). Cytogenetic location: 18q11.2.
Variant type: single nucleotide variant.
Coding change: c.2184A>C on transcript NM_000271.5 (MANE Select); coding-DNA position 2184, A replaced by C.
Protein change: p.Leu728=; no amino-acid change (leucine 728 retained).
Molecular consequence: synonymous variant.
Genome position (GRCh38, 1-based): chr18:23,543,516, T>G on the plus strand (A>C on the coding strand, the complement: NPC1 is on the minus strand). VCF-style: chr18-23543516-T-G. GRCh37 (hg19) VCF-style: chr18-21123480-T-G.
Other names: p.Leu728=.
Identifiers: ClinVar variation 1617690 (VCV001617690.9), dbSNP rs1396587033, ClinGen allele CA503324612.